The following is an entry in ClinVar:

NM_001256789.3(CACNA1F):c.953T>C (p.Phe318Ser)

Gene: CACNA1F (calcium voltage-gated channel subunit alpha1 F; minus strand). Cytogenetic location: Xp11.23.
Variant type: single nucleotide variant.
Coding change: c.953T>C on transcript NM_001256789.3 (MANE Select); coding-DNA position 953, T replaced by C.
Protein change: p.Phe318Ser; replaces phenylalanine 318 with serine.
Molecular consequence: missense variant.
Genome position (GRCh38, 1-based): chrX:49,228,312, A>G on the plus strand (T>C on the coding strand, the complement: CACNA1F is on the minus strand). VCF-style: chrX-49228312-A-G. GRCh37 (hg19) VCF-style: chrX-49084774-A-G.
Other names: c.953T>C (NM_005183.2); c.758T>C, p.Phe253Ser (NM_001256790.3); c.953T>C, p.Phe318Ser (NM_005183.4); short protein forms F253S, F318S.
Identifiers: ClinVar variation 861723 (VCV000861723.10), dbSNP rs201174690, ClinGen allele CA10410984.

ClinVar aggregate classification (germline): Uncertain significance. Review status: criteria provided, multiple submitters, no conflicts (2 of 4 stars). 4 submissions from 4 submitters: Uncertain significance (4). Last evaluated 2026-02-19.

Conditions:
CACNA1F-related disorder. Also called: CACNA1F-related condition.
Inborn genetic diseases. Identifiers: MedGen C0950123, MeSH D030342.

Allele frequency attached by ClinVar (database versions not stated): gnomAD 0.00006 and 0.00007; gnomAD exomes 0.00007 and 0.00013; TOPMed 0.00007; ExAC 0.00008; ESP Exome Variant Server 0.00009.
gnomAD v4.1: 146 of 1,210,529 alleles (0.012%); highest among the groups gnomAD compares: Non-Finnish European, 0.016%; no homozygotes.

Submissions (4):

PreventionGenetics, part of Exact Sciences
Classification: Uncertain significance for CACNA1F-related condition. Last evaluated: 2026-02-19. Review status: criteria provided, single submitter. Criteria: ACMG Guidelines, 2015. Collection method: clinical testing. Allele origin: germline.
Comment: The CACNA1F c.953T>C variant is predicted to result in the amino acid substitution p.Phe318Ser. To our knowledge, this variant has not been reported in the literature. This variant is reported in 0.014% of alleles in individuals of European (Non-Finnish) descent in gnomAD, including 6 hemizygotes, which may be too frequent to be a primary cause of disease. Although we suspect that this variant may be benign, at this time, the clinical significance of this variant is uncertain due to the absence of conclusive functional and genetic evidence.

Labcorp Genetics (formerly Invitae), Labcorp
Classification: Uncertain significance. Last evaluated: 2026-01-07. Review status: criteria provided, single submitter. Criteria: Invitae Variant Classification Sherloc (09022015). Collection method: clinical testing. Allele origin: germline.
Comment: This sequence change replaces phenylalanine, which is neutral and non-polar, with serine, which is neutral and polar, at codon 318 of the CACNA1F protein (p.Phe318Ser). This variant is present in population databases (rs201174690, gnomAD 0.01%). This variant has not been reported in the literature in individuals affected with CACNA1F-related conditions. ClinVar contains an entry for this variant (Variation ID: 861723). Invitae Evidence Modeling of protein sequence and biophysical properties (such as structural, functional, and spatial information, amino acid conservation, physicochemical variation, residue mobility, and thermodynamic stability) has been performed for this missense variant. However, the output from this modeling did not meet the statistical confidence thresholds required to predict the impact of this variant on CACNA1F protein function. In summary, the available evidence is currently insufficient to determine the role of this variant in disease. Therefore, it has been classified as a Variant of Uncertain Significance.

Revvity Omics, Revvity
Classification: Uncertain significance. Last evaluated: 2024-05-15. Review status: criteria provided, single submitter. Criteria: ACMG Guidelines, 2015. Collection method: clinical testing. Allele origin: germline.

Ambry Genetics
Classification: Uncertain significance for Inborn genetic diseases. Last evaluated: 2022-03-25. Review status: criteria provided, single submitter. Criteria: Ambry Variant Classification Scheme 2023. Collection method: clinical testing. Allele origin: germline.